The following is an entry in ClinVar:

NM_017654.4(SAMD9):c.1448T>C (p.Leu483Pro)

Gene: SAMD9 (sterile alpha motif domain containing 9; minus strand). Cytogenetic location: 7q21.2.
Variant type: single nucleotide variant.
Coding change: c.1448T>C on transcript NM_017654.4 (MANE Select); coding-DNA position 1448, T replaced by C.
Protein change: p.Leu483Pro; replaces leucine 483 with proline.
Molecular consequence: missense variant.
Genome position (GRCh38, 1-based): chr7:93,104,650, A>G on the plus strand (T>C on the coding strand, the complement: SAMD9 is on the minus strand). VCF-style: chr7-93104650-A-G. GRCh37 (hg19) VCF-style: chr7-92733963-A-G.
Other names: c.1448T>C (NM_017654.3); c.1448T>C, p.Leu483Pro (NM_001193307.2); short protein forms L483P.
Identifiers: ClinVar variation 1716304 (VCV001716304.7), dbSNP rs2535360555, ClinGen allele CA368196553.

ClinVar aggregate classification (germline): Uncertain significance. Review status: criteria provided, multiple submitters, no conflicts (2 of 4 stars). 3 submissions from 3 submitters: Uncertain significance (3). Last evaluated 2026-03-26.

Conditions:
Inborn genetic diseases. Identifiers: MedGen C0950123, MeSH D030342.

Submissions (3):

GeneDx
Classification: Uncertain significance. Last evaluated: 2026-03-26. Review status: criteria provided, single submitter. Criteria: GeneDx Variant Classification Process June 2021. Collection method: clinical testing. Allele origin: germline.
Comment: Not observed at significant frequency in large population cohorts (gnomAD); In silico analysis suggests that this missense variant does not alter protein structure/function; Has not been previously published as pathogenic or benign to our knowledge; This variant is associated with the following publications: (PMID: 28545555)

Labcorp Genetics (formerly Invitae), Labcorp
Classification: Uncertain significance. Last evaluated: 2026-01-13. Review status: criteria provided, single submitter. Criteria: Invitae Variant Classification Sherloc (09022015). Collection method: clinical testing. Allele origin: germline.
Comment: This sequence change replaces leucine, which is neutral and non-polar, with proline, which is neutral and non-polar, at codon 483 of the SAMD9 protein (p.Leu483Pro). This variant is not present in population databases (gnomAD no frequency). This variant has not been reported in the literature in individuals affected with SAMD9-related conditions. ClinVar contains an entry for this variant (Variation ID: 1716304). Invitae Evidence Modeling of protein sequence and biophysical properties (such as structural, functional, and spatial information, amino acid conservation, physicochemical variation, residue mobility, and thermodynamic stability) has been performed for this missense variant. However, the output from this modeling did not meet the statistical confidence thresholds required to predict the impact of this variant on SAMD9 protein function. In summary, the available evidence is currently insufficient to determine the role of this variant in disease. Therefore, it has been classified as a Variant of Uncertain Significance.

Ambry Genetics
Classification: Uncertain significance for Inborn genetic diseases. Last evaluated: 2024-11-27. Review status: criteria provided, single submitter. Criteria: Ambry Variant Classification Scheme 2023. Collection method: clinical testing. Allele origin: germline.
Comment: The p.L483P variant (also known as c.1448T>C), located in coding exon 1 of the SAMD9 gene, results from a T to C substitution at nucleotide position 1448. The leucine at codon 483 is replaced by proline, an amino acid with similar properties. This amino acid position is conserved. In addition, this alteration is predicted to be tolerated by in silico analysis. Based on the available evidence, the clinical significance of this variant remains unclear.